The following is an entry in ClinVar:

NM_000102.4(CYP17A1):c.1134C>T (p.Asp378=)

Gene: CYP17A1 (cytochrome P450 family 17 subfamily A member 1; minus strand). Cytogenetic location: 10q24.32.
Variant type: single nucleotide variant.
Coding change: c.1134C>T on transcript NM_000102.4 (MANE Select); coding-DNA position 1134, C replaced by T.
Protein change: p.Asp378=; no amino-acid change (aspartic acid 378 retained).
Molecular consequence: synonymous variant.
Genome position (GRCh38, 1-based): chr10:102,832,516, G>A on the plus strand (C>T on the coding strand, the complement: CYP17A1 is on the minus strand). VCF-style: chr10-102832516-G-A. GRCh37 (hg19) VCF-style: chr10-104592273-G-A.
Identifiers: ClinVar variation 877969 (VCV000877969.14), dbSNP rs772903405, ClinGen allele CA5669397.

ClinVar aggregate classification (germline): Conflicting classifications of pathogenicity. Review status: criteria provided, conflicting classifications (1 of 4 stars). 3 submissions from 3 submitters: Uncertain significance (1); Likely benign (1). 1 of the submissions does not count toward it. Last evaluated 2024-03-14.

Conditions:
CYP17A1-related disorder. Also called: CYP17A1-related condition.
Deficiency of steroid 17-alpha-monooxygenase. Also called: Congenital adrenal hyperplasia due to 17-alpha-hydroxylase deficiency; Congenital adrenal hyperplasia type 5; 17-ALPHA-HYDROXYLASE DEFICIENCY; ADRENAL HYPERPLASIA V; 17-alpha-hydroxylase/17,20-lyase deficiency. Identifiers: Orphanet 90793, MedGen C0268285, MONDO:0008730, OMIM 202110.

Allele frequency attached by ClinVar (database versions not stated): gnomAD below 0.00001 and 0.00001; TOPMed 0.00001; gnomAD exomes 0.00005 and 0.00010; ExAC 0.00009.
gnomAD v4.1: 73 of 1,603,310 alleles (0.0046%); highest among the groups gnomAD compares: South Asian, 0.07%; no homozygotes.

Submissions (3):

Labcorp Genetics (formerly Invitae), Labcorp
Classification: Likely benign. Last evaluated: 2024-03-14. Review status: criteria provided, single submitter. Criteria: Invitae Variant Classification Sherloc (09022015). Collection method: clinical testing. Allele origin: germline.

Illumina Laboratory Services, Illumina
Classification: Uncertain significance for Deficiency of steroid 17-alpha-monooxygenase. Last evaluated: 2018-01-13. Review status: criteria provided, single submitter. Criteria: ICSL Variant Classification Criteria 13 December 2019. Collection method: clinical testing. Allele origin: germline.

PreventionGenetics, part of Exact Sciences
Classification: Likely benign for CYP17A1-related condition. Last evaluated: 2022-05-25. Review status: no assertion criteria provided. Collection method: clinical testing. Allele origin: germline. Not counted in ClinVar's aggregate classification.
Comment: This variant is classified as likely benign based on ACMG/AMP sequence variant interpretation guidelines (Richards et al. 2015 PMID: 25741868, with internal and published modifications).